The following is an entry in ClinVar:

NM_207361.6(FREM2):c.187del (p.Ala63fs)

Gene: FREM2 (FRAS1 related extracellular matrix 2; plus strand). Cytogenetic location: 13q13.3.
Variant type: Deletion.
Coding change: c.187del on transcript NM_207361.6 (MANE Select); coding-DNA position 187, one base deleted (G; older notation c.187delG).
Protein change: p.Ala63fs; shifts the reading frame from alanine 63.
Molecular consequence: frameshift variant.
Genome position (GRCh38, 1-based): chr13:38,687,531, G deleted; the last of 5 consecutive G bases (chr13:38,687,527-38,687,531); deleting any one gives the same sequence. VCF-style (leftmost placement, unchanged base first): chr13-38687526-CG-C. GRCh37 (hg19) VCF-style: chr13-39261663-CG-C.
Other names: short protein forms A63fs.
Identifiers: ClinVar variation 2803781 (VCV002803781.3), dbSNP rs2541347720, ClinGen allele CA609453863.
Genomic context (GRCh38, chr13:38,687,526, plus strand): 5'-TAAGCCGCGTCCCGGCACAGCCCGCTGCCTTCGGCAGGGCGTTGCTGTCCCCTGGTCTCG[CG>C]GGGGCTGCAGGGGTCCCTGCTGAGGAGGCCATAGTGCTGGCGAACCGCGGACTCCGGGTG-3'

ClinVar aggregate classification (germline): Pathogenic (1 of 4 stars; one submission).

Submission:

Labcorp Genetics (formerly Invitae), Labcorp
Classification: Pathogenic. Last evaluated: 2025-06-03. Review status: criteria provided, single submitter. Criteria: Invitae Variant Classification Sherloc (09022015). Collection method: clinical testing. Allele origin: germline.
Comment: This sequence change creates a premature translational stop signal (p.Ala63Leufs*10) in the FREM2 gene. It is expected to result in an absent or disrupted protein product. Loss-of-function variants in FREM2 are known to be pathogenic (PMID: 18203166, 26552811). This variant is not present in population databases (gnomAD no frequency). This variant has not been reported in the literature in individuals affected with FREM2-related conditions. ClinVar contains an entry for this variant (Variation ID: 2803781). For these reasons, this variant has been classified as Pathogenic.

Literature cited by the submitters: PubMed 18203166; PubMed 26552811.